The following is an entry in ClinVar:

ClinVar aggregate classification (germline): Uncertain significance (1 of 4 stars; one submission).

Submission:

Labcorp Genetics (formerly Invitae), Labcorp
Classification: Uncertain significance. Last evaluated: 2022-11-01. Review status: criteria provided, single submitter. Criteria: Invitae Variant Classification Sherloc (09022015). Collection method: clinical testing. Allele origin: germline.
Comment: In summary, the available evidence is currently insufficient to determine the role of this variant in disease. Therefore, it has been classified as a Variant of Uncertain Significance. Advanced modeling of protein sequence and biophysical properties (such as structural, functional, and spatial information, amino acid conservation, physicochemical variation, residue mobility, and thermodynamic stability) performed at Invitae indicates that this missense variant is not expected to disrupt LARS protein function. ClinVar contains an entry for this variant (Variation ID: 1680383). This variant has not been reported in the literature in individuals affected with LARS-related conditions. This variant is not present in population databases (gnomAD no frequency). This sequence change replaces methionine, which is neutral and non-polar, with valine, which is neutral and non-polar, at codon 917 of the LARS protein (p.Met917Val).

NM_020117.11(LARS1):c.2749A>G (p.Met917Val)

Gene: LARS1 (leucyl-tRNA synthetase 1; minus strand). Cytogenetic location: 5q32.
Variant type: single nucleotide variant.
Coding change: c.2749A>G on transcript NM_020117.11 (MANE Select); coding-DNA position 2749, A replaced by G.
Protein change: p.Met917Val; replaces methionine 917 with valine.
Molecular consequence: missense variant.
Genome position (GRCh38, 1-based): chr5:146,128,998, T>C on the plus strand (A>G on the coding strand, the complement: LARS1 is on the minus strand). VCF-style: chr5-146128998-T-C. GRCh37 (hg19) VCF-style: chr5-145508561-T-C.
Other names: c.2611A>G, p.Met871Val (NM_001317964.2); c.2587A>G, p.Met863Val (NM_001317965.2); c.2668A>G, p.Met890Val (NM_016460.4); short protein forms M863V, M871V, M890V, M917V.
Identifiers: ClinVar variation 1680383 (VCV001680383.6), dbSNP rs2126412414, ClinGen allele CA361603149.